The following is an entry in ClinVar:

ClinVar aggregate classification (germline): Uncertain significance (1 of 4 stars; one submission).

Conditions:
Glycogen storage disease due to muscle beta-enolase deficiency (GSD13). Also called: ENOLASE 3 DEFICIENCY; ENOLASE-BETA DEFICIENCY; GSD XIII; Glycogen Storage Disease Type XIII. Identifiers: Orphanet 99849, MedGen C2752027, MONDO:0013046, OMIM 612932.

Allele frequency attached by ClinVar (database versions not stated): gnomAD exomes below 0.00001.
gnomAD v4.1: 2 of 1,614,064 alleles (0.00012%); highest among the groups gnomAD compares: African/African-American, 0.0013%; no homozygotes.

Submission:

Labcorp Genetics (formerly Invitae), Labcorp
Classification: Uncertain significance for Glycogen storage disease due to muscle beta-enolase deficiency. Last evaluated: 2021-11-27. Review status: criteria provided, single submitter. Criteria: Invitae Variant Classification Sherloc (09022015). Collection method: clinical testing. Allele origin: germline.
Comment: This sequence change replaces glutamine, which is neutral and polar, with glutamic acid, which is acidic and polar, at codon 166 of the ENO3 protein (p.Gln166Glu). This variant is not present in population databases (gnomAD no frequency). This variant has not been reported in the literature in individuals affected with ENO3-related conditions. Algorithms developed to predict the effect of missense changes on protein structure and function are either unavailable or do not agree on the potential impact of this missense change (SIFT: "Deleterious"; PolyPhen-2: "Probably Damaging"; Align-GVGD: "Class C0"). In summary, the available evidence is currently insufficient to determine the role of this variant in disease. Therefore, it has been classified as a Variant of Uncertain Significance.

NM_053013.4(ENO3):c.496C>G (p.Gln166Glu)

Gene: ENO3 (enolase 3; plus strand). Cytogenetic location: 17p13.2.
Variant type: single nucleotide variant.
Coding change: c.496C>G on transcript NM_053013.4 (MANE Select); coding-DNA position 496, C replaced by G.
Protein change: p.Gln166Glu; replaces glutamine 166 with glutamic acid.
Molecular consequence: missense variant.
Genome position (GRCh38, 1-based): chr17:4,955,126, C>G. VCF-style: chr17-4955126-C-G. GRCh37 (hg19) VCF-style: chr17-4858421-C-G.
Other names: c.367C>G, p.Gln123Glu (NM_001193503.2); c.496C>G, p.Gln166Glu (NM_001374523.1, NM_001976.5); c.523C>G, p.Gln175Glu (NM_001374524.1); short protein forms Q175E, Q166E, Q123E.
Identifiers: ClinVar variation 1475425 (VCV001475425.3), dbSNP rs1179493512, ClinGen allele CA397289850.